The following is an entry in ClinVar:

ClinVar aggregate classification (germline): Pathogenic (1 of 4 stars; one submission).

gnomAD v4.1: 1 of 1,612,710 alleles (0.000062%); highest among the groups gnomAD compares: South Asian, 0.0011%; no homozygotes.

Submission:

Labcorp Genetics (formerly Invitae), Labcorp
Classification: Pathogenic. Last evaluated: 2023-11-13. Review status: criteria provided, single submitter. Criteria: Invitae Variant Classification Sherloc (09022015). Collection method: clinical testing. Allele origin: germline.
Comment: This sequence change affects a donor splice site in intron 6 of the DFNB59 gene. While this variant is not anticipated to result in nonsense mediated decay, it likely alters RNA splicing and results in a disrupted protein product. This variant is not present in population databases (gnomAD no frequency). This variant has not been reported in the literature in individuals affected with DFNB59-related conditions. Variants that disrupt the consensus splice site are a relatively common cause of aberrant splicing (PMID: 17576681, 9536098). Algorithms developed to predict the effect of sequence changes on RNA splicing suggest that this variant may disrupt the consensus splice site. This variant disrupts a region of the DFNB59 protein in which other variant(s) (p.Val330Leufs*7) have been determined to be pathogenic (PMID: 17718865). This suggests that this is a clinically significant region of the protein, and that variants that disrupt it are likely to be disease-causing. For these reasons, this variant has been classified as Pathogenic.

Literature cited by the submitters: PubMed 17576681; PubMed 9536098; PubMed 17718865.

NM_001042702.5(PJVK):c.766+2T>G

Gene: PJVK (pejvakin; plus strand). Cytogenetic location: 2q31.2.
Variant type: single nucleotide variant.
Coding change: c.766+2T>G on transcript NM_001042702.5 (MANE Select); the canonical splice donor site of the intron after coding-DNA position 766, T replaced by G.
Molecular consequence: splice donor variant. On other transcripts: intron variant (1).
Genome position (GRCh38, 1-based): chr2:178,460,448, T>G. VCF-style: chr2-178460448-T-G. GRCh37 (hg19) VCF-style: chr2-179325175-T-G.
Other names: c.289+2T>G (NM_001353777.1, NM_001353778.2); c.775+2T>G (NM_001353775.2); c.773-534T>G (NM_001353776.2); c.766+2T>G (NM_001369912.1).
Identifiers: ClinVar variation 2868197 (VCV002868197.3), dbSNP rs2468730486, ClinGen allele CA349402208.